The following is an entry in ClinVar:

ClinVar aggregate classification (germline): Uncertain significance (1 of 4 stars; one submission).

gnomAD v4.1: 2 of 1,613,984 alleles (0.00012%); highest among the groups gnomAD compares: East Asian, 0.0022%; no homozygotes.

Submission:

Women's Health and Genetics/Laboratory Corporation of America, LabCorp
Classification: Uncertain significance. Last evaluated: 2025-01-07. Review status: criteria provided, single submitter. Criteria: LabCorp Variant Classification Summary - May 2015. Collection method: clinical testing. Allele origin: germline.
Comment: Variant summary: GH1 c.-9C>G is located in the untranslated mRNA region upstream of the initiation codon. The variant allele was found at a frequency of 8e-06 in 251158 control chromosomes (gnomAD). The available data on variant occurrences in the general population are insufficient to allow any conclusion about variant significance. To our knowledge, no occurrence of c.-9C>G in individuals affected with Idiopathic Growth Hormone Deficiency and no experimental evidence demonstrating its impact on protein function have been reported. No submitters have cited clinical-significance assessments for this variant to ClinVar. Based on the evidence outlined above, the variant was classified as uncertain significance.

NM_000515.5(GH1):c.-9C>G

Genes: GH-LCR (growth hormone locus control region; plus strand), GH1 (growth hormone 1; minus strand). Cytogenetic location: 17q23.3.
Variant type: single nucleotide variant.
Coding change: c.-9C>G on transcript NM_000515.5 (MANE Select); 9 bases upstream of the start codon, C replaced by G.
Molecular consequence: 5 prime UTR variant.
Genome position (GRCh38, 1-based): chr17:63,918,785, G>C on the plus strand (C>G on the coding strand, the complement: GH1 is on the minus strand). VCF-style: chr17-63918785-G-C. GRCh37 (hg19) VCF-style: chr17-61996145-G-C.
Other names: c.-9C>G (NM_022559.4, NM_022560.4).
Identifiers: ClinVar variation 3769223 (VCV003769223.2).